The following is an entry in ClinVar:

ClinVar aggregate classification (germline): Benign (0 of 4 stars; one submission).

Allele frequency attached by ClinVar (database versions not stated): gnomAD exomes below 0.00001; gnomAD 0.00001; TOPMed 0.00001.
gnomAD v4.1: 4 of 1,603,670 alleles (0.00025%); highest among the groups gnomAD compares: African/African-American, 0.0027%; no homozygotes.

Submission:

Northcott Neuroscience Laboratory, ANZAC Research Institute
Classification: Benign. Review status: no assertion criteria provided. Collection method: not provided. Allele origin: unknown.
Comment: Spastic Paraplegia + CMT2
ClinVar note: Converted during submission from non-pathogenic to Benign.

NM_001003800.2(BICD2):c.2296C>T (p.Arg766Trp)

Gene: BICD2 (BICD cargo adaptor 2; minus strand). Cytogenetic location: 9q22.31.
Variant type: single nucleotide variant.
Coding change: c.2296C>T on transcript NM_001003800.2 (MANE Select); coding-DNA position 2296, C replaced by T.
Protein change: p.Arg766Trp; replaces arginine 766 with tryptophan.
Molecular consequence: missense variant.
Genome position (GRCh38, 1-based): chr9:92,715,426, G>A on the plus strand (C>T on the coding strand, the complement: BICD2 is on the minus strand). VCF-style: chr9-92715426-G-A. GRCh37 (hg19) VCF-style: chr9-95477708-G-A.
Other names: c.2296C>T, p.Arg766Trp (NM_015250.4); short protein forms R766W.
Identifiers: ClinVar variation 155751 (VCV000155751.2), dbSNP rs587777889, ClinGen allele CA233116.